The following is an entry in ClinVar:

ClinVar aggregate classification (germline): Uncertain significance (1 of 4 stars; one submission).

Allele frequency attached by ClinVar (database versions not stated): gnomAD 0.00003; gnomAD exomes 0.00004; TOPMed 0.00004.
gnomAD v4.1: 57 of 1,514,882 alleles (0.0038%); highest among the groups gnomAD compares: Non-Finnish European, 0.0049%; no homozygotes.

Submission:

Labcorp Genetics (formerly Invitae), Labcorp
Classification: Uncertain significance. Last evaluated: 2022-08-02. Review status: criteria provided, single submitter. Criteria: Invitae Variant Classification Sherloc (09022015). Collection method: clinical testing. Allele origin: germline.
Comment: This sequence change replaces glutamic acid, which is acidic and polar, with lysine, which is basic and polar, at codon 840 of the CACNA1B protein (p.Glu840Lys). The frequency data for this variant in the population databases is considered unreliable, as metrics indicate poor data quality at this position in the gnomAD database. This variant has not been reported in the literature in individuals affected with CACNA1B-related conditions. Advanced modeling of protein sequence and biophysical properties (such as structural, functional, and spatial information, amino acid conservation, physicochemical variation, residue mobility, and thermodynamic stability) performed at Invitae indicates that this missense variant is not expected to disrupt CACNA1B protein function. In summary, the available evidence is currently insufficient to determine the role of this variant in disease. Therefore, it has been classified as a Variant of Uncertain Significance.

NM_000718.4(CACNA1B):c.2518G>A (p.Glu840Lys)

Gene: CACNA1B (calcium voltage-gated channel subunit alpha1 B; plus strand). Cytogenetic location: 9q34.3.
Variant type: single nucleotide variant.
Coding change: c.2518G>A on transcript NM_000718.4 (MANE Select); coding-DNA position 2518, G replaced by A.
Protein change: p.Glu840Lys; replaces glutamic acid 840 with lysine.
Molecular consequence: missense variant.
Genome position (GRCh38, 1-based): chr9:138,023,261, G>A. VCF-style: chr9-138023261-G-A. GRCh37 (hg19) VCF-style: chr9-140917713-G-A.
Other names: c.2518G>A, p.Glu840Lys (NM_001243812.2); short protein forms E840K.
Identifiers: ClinVar variation 2419035 (VCV002419035.3), dbSNP rs969815709, ClinGen allele CA201830301.